The following is an entry in ClinVar:

ClinVar aggregate classification (germline): Uncertain significance (1 of 4 stars; one submission).

Conditions:
Familial intrahepatic cholestasis. Identifiers: Orphanet 284385, MedGen CN296401, MONDO:0017290.

Submission:

Genomenon, Inc
Classification: Uncertain significance for Familial intrahepatic cholestasis. Last evaluated: 2026-04-14. Review status: criteria provided, single submitter. Criteria: Genomenon Sequence Variant Interpretation Standards - Updated. Collection method: curation. Allele origin: germline. Affected: no.
Comment: ABCB11 p.Ser194Pro (c.580T>C) is a missense variant that changes the amino acid at residue 194 from Serine to Proline. This variant has been reported in the published literature (PMID:19101985;14999697;15758645;15975683;22795478;17051391). It is absent or not present at a significant frequency in gnomAD. In silico models predict that this variant is possibly or probably damaging. In conclusion, we classify ABCB11 p.Ser194Pro (c.580T>C) as a variant of uncertain significance.

Literature cited by the submitters: PubMed 19101985; PubMed 14999697; PubMed 15758645; PubMed 15975683; PubMed 22795478; PubMed 17051391.

NM_003742.4(ABCB11):c.580T>C (p.Ser194Pro)

Gene: ABCB11 (ATP binding cassette subfamily B member 11; minus strand). Cytogenetic location: 2q31.1.
Variant type: single nucleotide variant.
Coding change: c.580T>C on transcript NM_003742.4 (MANE Select); coding-DNA position 580, T replaced by C.
Protein change: p.Ser194Pro; replaces serine 194 with proline.
Molecular consequence: missense variant.
Genome position (GRCh38, 1-based): chr2:168,995,380, A>G on the plus strand (T>C on the coding strand, the complement: ABCB11 is on the minus strand). VCF-style: chr2-168995380-A-G. GRCh37 (hg19) VCF-style: chr2-169851890-A-G.
Other names: short protein forms S194P.
Identifiers: ClinVar variation 4846173 (VCV004846173.1).